The following is an entry in ClinVar:

ClinVar aggregate classification (germline): Pathogenic. Review status: criteria provided, multiple submitters, no conflicts (2 of 4 stars). 16 submissions from 16 submitters: Pathogenic (11). 5 of the submissions do not count toward it. Last evaluated 2026-01-18.

Conditions:
DHCR7-related disorder. Also called: DHCR7-related condition.
Inborn genetic diseases. Identifiers: MedGen C0950123, MeSH D030342.
Smith-Lemli-Opitz syndrome (SLOS). Also called: POLYDACTYLY, SEX REVERSAL, RENAL HYPOPLASIA, AND UNILOBAR LUNG; RSH SYNDROME; RUTLEDGE LETHAL MULTIPLE CONGENITAL ANOMALY SYNDROME; LETHAL ACRODYSGENITAL SYNDROME; 7-Dehydrocholesterol reductase deficiency. Identifiers: Orphanet 818, MedGen C0175694, MONDO:0010035, OMIM 270400.

Allele frequency attached by ClinVar (database versions not stated): gnomAD 0.00006 and 0.00007; TOPMed 0.00006; 1000 Genomes Project 0.00020; ExAC 0.00004; 1000 Genomes Project 30x 0.00016.

Submissions (16):

Natera, Inc.
Classification: Pathogenic for Smith-Lemli-Opitz syndrome. Last evaluated: 2026-01-18. Review status: criteria provided, single submitter. Criteria: Natera Variant Classification Schema (03/2026). Collection method: clinical testing. Allele origin: germline.
Comment: The c.1210C>T variant in DHCR7 is a missense variant predicted to cause substitution of arginine to cysteine at amino acid 404. This variant is rare in the general population with a frequency below the threshold expected for the associated phenotype(s). This variant has been observed in one or more individuals affected with the associated recessive disease, as either homozygous or compound heterozygous with a second variant (PMID: 10677299, 9653161). Given the available evidence, this variant is classified as Pathogenic.

Labcorp Genetics (formerly Invitae), Labcorp
Classification: Pathogenic for Smith-Lemli-Opitz syndrome. Last evaluated: 2025-10-01. Review status: criteria provided, single submitter. Criteria: Invitae Variant Classification Sherloc (09022015). Collection method: clinical testing. Allele origin: germline.
Comment: This sequence change replaces arginine, which is basic and polar, with cysteine, which is neutral and slightly polar, at codon 404 of the DHCR7 protein (p.Arg404Cys). This variant is present in population databases (rs61757582, gnomAD 0.009%). This missense change has been observed in individuals with Smith–Lemli–Opitz syndrome (PMID: 9653161, 10677299, 12818773, 15896653). It has also been observed to segregate with disease in related individuals. ClinVar contains an entry for this variant (Variation ID: 6788). Invitae Evidence Modeling of protein sequence and biophysical properties (such as structural, functional, and spatial information, amino acid conservation, physicochemical variation, residue mobility, and thermodynamic stability) indicates that this missense variant is expected to disrupt DHCR7 protein function with a positive predictive value of 95%. Experimental studies have shown that this missense change affects DHCR7 function (PMID: 9653161). For these reasons, this variant has been classified as Pathogenic.

Revvity Omics, Revvity
Classification: Pathogenic for Smith-Lemli-Opitz syndrome. Last evaluated: 2025-02-12. Review status: criteria provided, single submitter. Criteria: ACMG Guidelines, 2015. Collection method: clinical testing. Allele origin: germline.

Mayo Clinic Laboratories, Mayo Clinic
Classification: Pathogenic. Last evaluated: 2024-11-04. Review status: criteria provided, single submitter. Criteria: ACMG Guidelines, 2015. Collection method: clinical testing. Allele origin: germline. Observed: 2 variant alleles.
Comment: PM2_supporting, PM3, PM5, PS3, PS4

Blueprint Genetics
Classification: Pathogenic for DHCR7-related disorders. Last evaluated: 2024-02-21. Review status: criteria provided, single submitter. Criteria: ACMG Guidelines, 2015. Collection method: clinical testing. Allele origin: germline. Affected: yes. Observed: 5 variant alleles.

GeneDx
Classification: Pathogenic. Last evaluated: 2022-07-29. Review status: criteria provided, single submitter. Criteria: GeneDx Variant Classification Process June 2021. Collection method: clinical testing. Allele origin: germline. Affected: yes.
Comment: In vitro expression studies in a human cell line demonstrated that R404C is associated with reduced protein expression (Fitzky, et al, 1998); Not observed at significant frequency in large population cohorts (gnomAD); This variant is associated with the following publications: (PMID: 15896653, 28250423, 22975760, 29455191, 20301322, 31589614, 33578785, 32058062, 34447666, 28166604, 33836803, 34427008, 9653161)

Fulgent Genetics
Classification: Pathogenic for Smith-Lemli-Opitz syndrome. Last evaluated: 2021-07-12. Review status: criteria provided, single submitter. Criteria: ACMG Guidelines, 2015. Collection method: clinical testing. Allele origin: unknown.

Women's Health and Genetics/Laboratory Corporation of America, LabCorp
Classification: Pathogenic for Smith-Lemli-Opitz syndrome. Last evaluated: 2020-08-20. Review status: criteria provided, single submitter. Criteria: LabCorp Variant Classification Summary - May 2015. Collection method: clinical testing. Allele origin: germline.
Comment: Variant summary: DHCR7 c.1210C>T (p.Arg404Cys) results in a non-conservative amino acid change located in the Ergosterol biosynthesis ERG4/ERG24 domain (IPR001171) of the encoded protein sequence. Five of five in-silico tools predict a damaging effect of the variant on protein function. The variant allele was found at a frequency of 3.7e-05 in 241396 control chromosomes. c.1210C>T has been reported in the literature in multiple individuals affected with Smith-Lemli-Opitz Syndrome (example, Fitzky_1998, Witsch-Baumgartner_2000). These data indicate that the variant is very likely to be associated with disease. At least one publication reports experimental evidence evaluating an impact on protein function. Both publications reported that expression of p.Arg404Cys in human cell line resulted in similar transcript but reduced protein expression as compared with wildtype (<10%, Fitzky_1998, Witsch-Baumgartner_2000). Four clinical diagnostic laboratories have submitted clinical-significance assessments for this variant to ClinVar after 2014 without evidence for independent evaluation. All laboratories classified the variant as pathogenic. Based on the evidence outlined above, the variant was classified as pathogenic.

Ambry Genetics
Classification: Pathogenic for Inborn genetic diseases. Last evaluated: 2020-02-13. Review status: criteria provided, single submitter. Criteria: Ambry Variant Classification Scheme 2023. Collection method: clinical testing. Allele origin: germline.
Comment: The alteration results in an amino acid change:_x000D_ _x000D_ The c.1210C>T (p.R404C) alteration is located in exon 9 (coding exon 7) of the DHCR7 gene. This alteration results from a C to T substitution at nucleotide position 1210, causing the arginine (R) at amino acid position 404 to be replaced by a cysteine (C). The alteration is ultra rare in population databases:_x000D_ _x000D_ Based on data from the Genome Aggregation Database (gnomAD), the c.1210C>T alteration was observed in 0.0044% (12/272,768) total alleles studied. No homozygotes were reported. The alteration has been observed in affected individuals: _x000D_ _x000D_ This alteration has been reported in multiple patients with Smith Lemli Opitz syndrome (SLOS). The alteration was first reported in a consanguineous family of French origin from Louisiana and was considered a French founder mutation (Fitzky, 1998). Heterologous expression of p.R404C in a human cell line decreased expression of the DHCR7 protein by more than 90% (Fitzky, 1998). The altered amino acid is conserved throughout evolution:_x000D_ _x000D_ The p.R404 amino acid is conserved in available vertebrate species. The alteration is predicted deleterious by in silico modeling:_x000D_ _x000D_ The p.R404C alteration is predicted to be deleterious by in silico analysis. Based on the available evidence, this alteration is classified as pathogenic.

Myriad Genetics, Inc.
Classification: Pathogenic for Smith-Lemli-Opitz syndrome. Last evaluated: 2019-12-04. Review status: criteria provided, single submitter. Criteria: Myriad Women's Health Autosomal Recessive and X-Linked Classification Criteria (2019). Collection method: clinical testing. Allele origin: unknown.
Comment: NM_001360.2(DHCR7):c.1210C>T(R404C) is classified as pathogenic in the context of Smith-Lemli-Opitz syndrome and can be associated with mild to severe forms of this disease. Sources cited for classification include the following: PMID 10677299, 22438180, 15954111, and 22438180. Classification of NM_001360.2(DHCR7):c.1210C>T(R404C) is based on the following criteria: This is a well-established pathogenic variant in the literature that has been observed more frequently in patients with clinical diagnoses than in healthy populations. Please note: this variant was assessed in the context of healthy population screening.

Eurofins Ntd Llc (ga)
Classification: Pathogenic. Last evaluated: 2017-04-17. Review status: criteria provided, single submitter. Criteria: EGL Classification Definitions 2015. Collection method: clinical testing. Allele origin: germline. Observed: 1 variant allele, 1 heterozygote.

PreventionGenetics, part of Exact Sciences
Classification: Pathogenic for DHCR7-related condition. Last evaluated: 2024-03-13. Review status: no assertion criteria provided. Collection method: clinical testing. Allele origin: germline. Not counted in ClinVar's aggregate classification.
Comment: The DHCR7 c.1210C>T variant is predicted to result in the amino acid substitution p.Arg404Cys. This variant has been documented to be causative for autosomal recessive Smith-Lemli-Optiz Syndrome (Fitzky et al. 1998. PubMed ID: 9653161; Witsch-Baumgartner et al. 2001. PubMed ID: 11175299). It is reported in 0.0083% of alleles in individuals of African descent in gnomAD. It has been interpreted as pathogenic by multiple independent submitters to ClinVar. This variant is interpreted as pathogenic.

OMIM
Classification: Pathogenic for SMITH-LEMLI-OPITZ SYNDROME. Last evaluated: 2001-01-01. Review status: no assertion criteria provided. Collection method: literature only. Allele origin: germline. Not counted in ClinVar's aggregate classification.

Diagnostic Laboratory, Department of Genetics, University Medical Center Groningen
Classification: Pathogenic. Review status: no assertion criteria provided. Collection method: clinical testing. Allele origin: germline. Affected: yes. Study: VKGL Data-share Consensus. Not counted in ClinVar's aggregate classification.

GeneReviews
No classification provided. Condition: Smith-Lemli-Opitz syndrome. Review status: no classification provided. Collection method: literature only. Allele origin: unknown. Not counted in ClinVar's aggregate classification.

Joint Genome Diagnostic Labs from Nijmegen and Maastricht, Radboudumc and MUMC+
Classification: Pathogenic. Review status: no assertion criteria provided. Collection method: clinical testing. Allele origin: germline. Affected: yes. Study: VKGL Data-share Consensus. Not counted in ClinVar's aggregate classification.

Literature cited by the submitters: PubMed 10677299 (cited by 5 submitters); PubMed 9653161 (cited by 5 submitters); PubMed 12818773 (cited by Labcorp Genetics (formerly Invitae), Labcorp); PubMed 15896653 (cited by Labcorp Genetics (formerly Invitae), Labcorp and Mayo Clinic Laboratories, Mayo Clinic); PubMed 11175299 (cited by 3 submitters); PubMed 12070263 (cited by Mayo Clinic Laboratories, Mayo Clinic); PubMed 12914579 (cited by Mayo Clinic Laboratories, Mayo Clinic); PubMed 15954111 (cited by Mayo Clinic Laboratories, Mayo Clinic and Myriad Genetics, Inc.); PubMed 16207203 (cited by Mayo Clinic Laboratories, Mayo Clinic and GeneReviews); PubMed 22438180 (cited by Mayo Clinic Laboratories, Mayo Clinic and Myriad Genetics, Inc.); PubMed 27401223 (cited by Mayo Clinic Laboratories, Mayo Clinic); PubMed 28166604 (cited by Mayo Clinic Laboratories, Mayo Clinic); PubMed 29455191 (cited by Mayo Clinic Laboratories, Mayo Clinic); PubMed 15286151 (cited by Ambry Genetics); PubMed 20301322 (cited by GeneReviews); NCBI Bookshelf NBK1143 (cited by GeneReviews).

NM_001360.3(DHCR7):c.1210C>T (p.Arg404Cys)

Gene: DHCR7 (7-dehydrocholesterol reductase; minus strand). Cytogenetic location: 11q13.4.
Variant type: single nucleotide variant.
Coding change: c.1210C>T on transcript NM_001360.3 (MANE Select); coding-DNA position 1210, C replaced by T.
Protein change: p.Arg404Cys; replaces arginine 404 with cysteine.
Molecular consequence: missense variant.
Genome position (GRCh38, 1-based): chr11:71,435,593, G>A on the plus strand (C>T on the coding strand, the complement: DHCR7 is on the minus strand). VCF-style: chr11-71435593-G-A. GRCh37 (hg19) VCF-style: chr11-71146639-G-A.
Other names: c.1210C>T, p.Arg404Cys (NM_001163817.2); short protein forms R404C.
Identifiers: ClinVar variation 6788 (VCV000006788.43), dbSNP rs61757582, ClinGen allele CA340615.
Genomic context (GRCh38, chr11:71,435,593, plus strand): 5'-CGCCACAGGCCAGGCAGTAGGCCAGGCTGCCCATCAGGTCGCCGACGTAGTTGAAGTGGC[G>A]GGCCACGCCCCAGAAGCCCGACACCAGCAGCTTGCTGTGGTGCCTCTGCCCATCGGCGGA-3'
Protein context (NP_001351.2, residues 394-414): LLVSGFWGVA[Arg404Cys]HFNYVGDLMG